The following is an entry in ClinVar:

ClinVar aggregate classification (germline): Likely benign (1 of 4 stars; one submission).

Allele frequency attached by ClinVar (database versions not stated): ESP Exome Variant Server 0.00038; TOPMed 0.00039; 1000 Genomes Project 0.00040; 1000 Genomes Project 30x 0.00047; gnomAD exomes 0.00054; gnomAD 0.00086; ExAC 0.00095.
gnomAD v4.1: 906 of 1,613,490 alleles (0.056%); highest among the groups gnomAD compares: Non-Finnish European, 0.041%; 2 homozygotes.

Submission:

CeGaT Center for Human Genetics Tuebingen
Classification: Likely benign. Last evaluated: 2022-10-01. Review status: criteria provided, single submitter. Criteria: CeGaT Center For Human Genetics Tuebingen Variant Classification Criteria Version 2. Collection method: clinical testing. Allele origin: germline. Affected: yes. Observed: 1 variant allele.
Comment: DOCK5: BP4

NM_024940.8(DOCK5):c.1653C>T (p.Phe551=)

Gene: DOCK5 (dedicator of cytokinesis 5; plus strand). Cytogenetic location: 8p21.2.
Variant type: single nucleotide variant.
Coding change: c.1653C>T on transcript NM_024940.8 (MANE Select); coding-DNA position 1653, C replaced by T.
Protein change: p.Phe551=; no amino-acid change (phenylalanine 551 retained).
Molecular consequence: synonymous variant.
Genome position (GRCh38, 1-based): chr8:25,323,885, C>T. VCF-style: chr8-25323885-C-T. GRCh37 (hg19) VCF-style: chr8-25181401-C-T.
Identifiers: ClinVar variation 2658491 (VCV002658491.24), dbSNP rs146969490, ClinGen allele CA4682175.
Genomic context (GRCh38, chr8:25,323,885, plus strand): 5'-GACATGTCTTTCTGCCTTTTCAGCCAGAGATAAATCGGAGCGAGCATTTGGGGTGGCCTT[C>T]GTGAAGCTGATGAACCCGGATGGCACCACTCTGCAGGATGGGAGGCACGATCTGGTGGTT-3'
Protein context (NP_079216.4, residues 541-561): DKSERAFGVA[Phe551=]VKLMNPDGTT